The following is an entry in ClinVar:

ClinVar aggregate classification (germline): Likely benign. Review status: criteria provided, multiple submitters, no conflicts (2 of 4 stars). 2 submissions from 2 submitters: Likely benign (2). Last evaluated 2025-04-23.

Conditions:
FOXP1-related disorder. Also called: FOXP1-related condition.
Inborn genetic diseases. Identifiers: MedGen C0950123, MeSH D030342.

Submissions (2):

PreventionGenetics, part of Exact Sciences
Classification: Likely benign for FOXP1-related condition. Last evaluated: 2025-04-23. Review status: criteria provided, single submitter. Criteria: ACMG Guidelines, 2015. Collection method: clinical testing. Allele origin: germline.
Comment: This variant is classified as likely benign based on ACMG/AMP sequence variant interpretation guidelines (Richards et al. 2015 PMID: 25741868, with internal and published modifications).

Ambry Genetics
Classification: Likely benign for Inborn genetic diseases. Last evaluated: 2019-07-17. Review status: criteria provided, single submitter. Criteria: Ambry Variant Classification Scheme 2023. Collection method: clinical testing. Allele origin: germline.

NM_001349338.3(FOXP1):c.1965C>T (p.Ala655=)

Gene: FOXP1 (forkhead box P1; minus strand). Cytogenetic location: 3p13.
Variant type: single nucleotide variant.
Coding change: c.1965C>T on transcript NM_001349338.3 (MANE Select); coding-DNA position 1965, C replaced by T.
Protein change: p.Ala655=; no amino-acid change (alanine 655 retained).
Molecular consequence: synonymous variant. On other transcripts: non-coding transcript variant (2).
Genome position (GRCh38, 1-based): chr3:70,959,316, G>A on the plus strand (C>T on the coding strand, the complement: FOXP1 is on the minus strand). VCF-style: chr3-70959316-G-A. GRCh37 (hg19) VCF-style: chr3-71008467-G-A.
Other names: c.1962C>T, p.Ala654= (NM_001244808.3, NM_001349341.3); c.2013C>T, p.Ala671= (NM_001244810.2); c.1737C>T, p.Ala579= (NM_001244812.3); c.1665C>T, p.Ala555= (NM_001244813.3, NM_001244815.2, NM_001349342.3); c.1965C>T, p.Ala655= (NM_001244814.3, NM_001244816.2, NM_001349340.3 and 1 more transcripts); c.1662C>T, p.Ala554= (NM_001349337.2, NM_001349343.3, NM_001349344.3 and 1 more transcripts).
Identifiers: ClinVar variation 1783510 (VCV001783510.3), dbSNP rs2544831054, ClinGen allele CA434159742.
Genomic context (GRCh38, chr3:70,959,316, plus strand): 5'-GTCCTCGTTTACTGGTTCATCTTCGTAATCTCTGTCATGGTCAAAATCTGGACTGTGGTT[G>A]GCTGTTGTCACTAAGGACAGGGGCCCTTCAGCTTCCTCTGGATCGAGGGGCTCTTCTTTG-3'
Protein context (NP_001336267.1, residues 645-665): AEGPLSLVTT[Ala655=]NHSPDFDHDR